The following is an entry in ClinVar:

ClinVar aggregate classification (germline): Uncertain significance. Review status: criteria provided, multiple submitters, no conflicts (2 of 4 stars). 3 submissions from 3 submitters: Uncertain significance (3). Last evaluated 2026-02-26.

Conditions:
Inborn genetic diseases. Identifiers: MedGen C0950123, MeSH D030342.

Submissions (3):

GeneDx
Classification: Uncertain significance. Last evaluated: 2026-02-26. Review status: criteria provided, single submitter. Criteria: GeneDx Variant Classification Process June 2021. Collection method: clinical testing. Allele origin: germline.
Comment: Not observed at significant frequency in large population cohorts (gnomAD); In silico analysis supports that this missense variant has a deleterious effect on protein structure/function; Has not been previously published as pathogenic or benign to our knowledge

Ambry Genetics
Classification: Uncertain significance for Inborn genetic diseases. Last evaluated: 2025-10-09. Review status: criteria provided, single submitter. Criteria: Ambry Variant Classification Scheme 2023. Collection method: clinical testing. Allele origin: germline.
Comment: The c.489G>A (p.M163I) alteration is located in exon 3 (coding exon 3) of the CACNA1E gene. This alteration results from a G to A substitution at nucleotide position 489, causing the methionine (M) at amino acid position 163 to be replaced by an isoleucine (I). This variant was not reported in population-based cohorts in the Genome Aggregation Database (gnomAD). This amino acid position is highly conserved in available vertebrate species. This missense alteration is located in a region that has a low rate of benign missense variation (Lek, 2016; Firth, 2009). This alteration is predicted to be deleterious by in silico analysis. Based on insufficient or conflicting evidence, the clinical significance of this alteration remains unclear.

Labcorp Genetics (formerly Invitae), Labcorp
Classification: Uncertain significance. Last evaluated: 2021-01-08. Review status: criteria provided, single submitter. Criteria: Invitae Variant Classification Sherloc (09022015). Collection method: clinical testing. Allele origin: germline.
Comment: In summary, the available evidence is currently insufficient to determine the role of this variant in disease. Therefore, it has been classified as a Variant of Uncertain Significance. Advanced modeling of protein sequence and biophysical properties (such as structural, functional, and spatial information, amino acid conservation, physicochemical variation, residue mobility, and thermodynamic stability) performed at Invitae indicates that this missense variant is expected to disrupt CACNA1E protein function. This variant has not been reported in the literature in individuals with CACNA1E-related conditions. This variant is not present in population databases (ExAC no frequency). This sequence change replaces methionine with isoleucine at codon 163 of the CACNA1E protein (p.Met163Ile). The methionine residue is moderately conserved and there is a small physicochemical difference between methionine and isoleucine.

NM_001205293.3(CACNA1E):c.489G>A (p.Met163Ile)

Gene: CACNA1E (calcium voltage-gated channel subunit alpha1 E; plus strand). Cytogenetic location: 1q25.3.
Variant type: single nucleotide variant.
Coding change: c.489G>A on transcript NM_001205293.3 (MANE Select); coding-DNA position 489, G replaced by A.
Protein change: p.Met163Ile; replaces methionine 163 with isoleucine.
Molecular consequence: missense variant.
Genome position (GRCh38, 1-based): chr1:181,511,487, G>A. VCF-style: chr1-181511487-G-A. GRCh37 (hg19) VCF-style: chr1-181480623-G-A.
Other names: c.489G>A (NM_001205293.1, NM_000721.3); c.489G>A, p.Met163Ile (NM_001205294.2, NM_000721.4); short protein forms M163I.
Identifiers: ClinVar variation 1363623 (VCV001363623.11), dbSNP rs2102623980, ClinGen allele CA343846364.